The following is an entry in ClinVar:

ClinVar aggregate classification (germline): Pathogenic (1 of 4 stars; one submission).

Conditions:
Glycogen storage disease, type V (GSD5). Also called: MCARDLE DISEASE; MUSCLE GLYCOGEN PHOSPHORYLASE DEFICIENCY; MYOPHOSPHORYLASE DEFICIENCY; PYGM DEFICIENCY; McArdle type glycogen storage disease. Identifiers: Orphanet 368, MedGen C0017924, MONDO:0009293, OMIM 232600.

Submission:

Labcorp Genetics (formerly Invitae), Labcorp
Classification: Pathogenic for Glycogen storage disease, type V. Last evaluated: 2022-02-05. Review status: criteria provided, single submitter. Criteria: Invitae Variant Classification Sherloc (09022015). Collection method: clinical testing. Allele origin: germline.
Comment: For these reasons, this variant has been classified as Pathogenic. This variant has not been reported in the literature in individuals affected with PYGM-related conditions. This variant is a gross deletion of the genomic region encompassing exon(s) 8-17 of the PYGM gene. This deletion is out-of-frame, and is expected to create a premature termination codon and result in an absent or disrupted protein product. Loss-of-function variants in PYGM are known to be pathogenic (PMID: 8316268, 16786513).

Literature cited by the submitters: PubMed 8316268; PubMed 16786513.

NC_000011.9:g.(?_64517838)_(64522318_?)del

Gene: PYGM (glycogen phosphorylase, muscle associated; minus strand). Cytogenetic location: 11q13.1.
Variant type: Deletion.
Identifiers: ClinVar variation 1449350 (VCV001449350.7).